The following is an entry in ClinVar:

NM_001136193.2(FASTKD2):c.860A>C (p.His287Pro)

Genes: FASTKD2 (FAST kinase domains 2; plus strand), LOC126806484 (CDK7 strongly-dependent group 2 enhancer GRCh37_chr2:207634423-207635622; plus strand). Cytogenetic location: 2q33.3.
Variant type: single nucleotide variant.
Coding change: c.860A>C on transcript NM_001136193.2 (MANE Select); coding-DNA position 860, A replaced by C.
Protein change: p.His287Pro; replaces histidine 287 with proline.
Molecular consequence: missense variant.
Genome position (GRCh38, 1-based): chr2:206,770,173, A>C. VCF-style: chr2-206770173-A-C. GRCh37 (hg19) VCF-style: chr2-207634897-A-C.
Other names: c.860A>C, p.His287Pro (NM_001136194.2, NM_014929.4); short protein forms H287P.
Identifiers: ClinVar variation 2038188 (VCV002038188.4), dbSNP rs754128949, ClinGen allele CA350075647.

ClinVar aggregate classification (germline): Uncertain significance (1 of 4 stars; one submission).

Allele frequency attached by ClinVar (database versions not stated): TOPMed below 0.00001; gnomAD 0.00001.
gnomAD v4.1: 1 of 1,606,536 alleles (0.000062%); highest among the groups gnomAD compares: African/African-American, 0.0013%; no homozygotes.

Submission:

Labcorp Genetics (formerly Invitae), Labcorp
Classification: Uncertain significance. Last evaluated: 2021-12-08. Review status: criteria provided, single submitter. Criteria: Invitae Variant Classification Sherloc (09022015). Collection method: clinical testing. Allele origin: germline.
Comment: This sequence change replaces histidine, which is basic and polar, with proline, which is neutral and non-polar, at codon 287 of the FASTKD2 protein (p.His287Pro). This variant is not present in population databases (gnomAD no frequency). This variant has not been reported in the literature in individuals affected with FASTKD2-related conditions. Algorithms developed to predict the effect of missense changes on protein structure and function (SIFT, PolyPhen-2, Align-GVGD) all suggest that this variant is likely to be tolerated. In summary, the available evidence is currently insufficient to determine the role of this variant in disease. Therefore, it has been classified as a Variant of Uncertain Significance.